The following is an entry in ClinVar:

NM_002691.4(POLD1):c.2718-20G>A

Gene: POLD1 (DNA polymerase delta 1, catalytic subunit; plus strand). Cytogenetic location: 19q13.33.
Variant type: single nucleotide variant.
Coding change: c.2718-20G>A on transcript NM_002691.4 (MANE Select); 20 bases into the intron before coding-DNA position 2718, G replaced by A.
Molecular consequence: intron variant.
Genome position (GRCh38, 1-based): chr19:50,415,704, G>A. VCF-style: chr19-50415704-G-A. GRCh37 (hg19) VCF-style: chr19-50918961-G-A.
Other names: c.2718-20G>A (NM_001256849.1, LRG_785t1); c.2796-20G>A (NM_001308632.1, LRG_785t2).
Identifiers: ClinVar variation 389746 (VCV000389746.3), dbSNP rs763621658, ClinGen allele CA9596639.

ClinVar aggregate classification (germline): Likely benign. Review status: criteria provided, multiple submitters, no conflicts (2 of 4 stars). 3 submissions from 3 submitters: Likely benign (3). Last evaluated 2023-01-16.

Allele frequency attached by ClinVar (database versions not stated): TOPMed below 0.00001; gnomAD exomes 0.00003 and 0.00004; ExAC 0.00017.

Submissions (3):

Blueprint Genetics
Classification: Likely benign. Last evaluated: 2023-01-16. Review status: criteria provided, single submitter. Criteria: ACMG Guidelines, 2015. Collection method: clinical testing. Allele origin: germline.

GeneDx
Classification: Likely benign. Last evaluated: 2016-09-29. Review status: criteria provided, single submitter. Criteria: GeneDx Variant Classification (06012015). Collection method: clinical testing. Allele origin: germline. Affected: yes.
Comment: This variant is considered likely benign or benign based on one or more of the following criteria: it is a conservative change, it occurs at a poorly conserved position in the protein, it is predicted to be benign by multiple in silico algorithms, and/or has population frequency not consistent with disease.

Breakthrough Genomics
Classification: Likely benign. Review status: criteria provided, single submitter. Criteria: ACMG Guidelines, 2015. Collection method: not provided. Allele origin: germline. Inheritance: Autosomal dominant inheritance. Affected: yes.